The following is an entry in ClinVar:

NM_177924.5(ASAH1):c.650G>A (p.Gly217Glu)

Gene: ASAH1 (N-acylsphingosine amidohydrolase 1; minus strand). Cytogenetic location: 8p22.
Variant type: single nucleotide variant.
Coding change: c.650G>A on transcript NM_177924.5 (MANE Select); coding-DNA position 650, G replaced by A.
Protein change: p.Gly217Glu; replaces glycine 217 with glutamic acid.
Molecular consequence: missense variant.
Genome position (GRCh38, 1-based): chr8:18,061,739, C>T on the plus strand (G>A on the coding strand, the complement: ASAH1 is on the minus strand). VCF-style: chr8-18061739-C-T. GRCh37 (hg19) VCF-style: chr8-17919248-C-T.
Other names: c.632G>A, p.Gly211Glu (NM_001127505.3); c.455G>A, p.Gly152Glu (NM_001363743.2); c.698G>A, p.Gly233Glu (NM_004315.6); short protein forms G217E, G233E, G152E, G211E.
Identifiers: ClinVar variation 2200901 (VCV002200901.4), dbSNP rs1799709972, ClinGen allele CA370429735.
Genomic context (GRCh38, chr8:18,061,739, plus strand): 5'-TACTTACCCAGATAACCACCATTTATACTGAAACGTTCATTCAGTGTAAGACTGAACAGT[C>T]CCTGAGAAAAAGACAAAGCAACGAAGTCAGAAACATCAACCATGCGCTTTAAGGCCCTGT-3'
Protein context (NP_808592.2, residues 207-227): YVGMLTGFKP[Gly217Glu]LFSLTLNERF

ClinVar aggregate classification (germline): Uncertain significance (1 of 4 stars; one submission).

Allele frequency attached by ClinVar (database versions not stated): gnomAD exomes below 0.00001.
gnomAD v4.1: 7 of 1,571,350 alleles (0.00045%); highest among the groups gnomAD compares: Non-Finnish European, 0.00052%; no homozygotes.

Submission:

Labcorp Genetics (formerly Invitae), Labcorp
Classification: Uncertain significance. Last evaluated: 2022-08-03. Review status: criteria provided, single submitter. Criteria: Invitae Variant Classification Sherloc (09022015). Collection method: clinical testing. Allele origin: germline.
Comment: This variant has not been reported in the literature in individuals affected with ASAH1-related conditions. In summary, the available evidence is currently insufficient to determine the role of this variant in disease. Therefore, it has been classified as a Variant of Uncertain Significance. Algorithms developed to predict the effect of missense changes on protein structure and function are either unavailable or do not agree on the potential impact of this missense change (SIFT: "Tolerated"; PolyPhen-2: "Possibly Damaging"; Align-GVGD: "Class C0"). This variant is not present in population databases (gnomAD no frequency). This sequence change replaces glycine, which is neutral and non-polar, with glutamic acid, which is acidic and polar, at codon 217 of the ASAH1 protein (p.Gly217Glu).